The following is an entry in ClinVar:

NM_001854.4(COL11A1):c.1657G>T (p.Gly553Cys)

Gene: COL11A1 (collagen type XI alpha 1 chain; minus strand). Cytogenetic location: 1p21.1.
Variant type: single nucleotide variant.
Coding change: c.1657G>T on transcript NM_001854.4 (MANE Select); coding-DNA position 1657, G replaced by T.
Protein change: p.Gly553Cys; replaces glycine 553 with cysteine.
Molecular consequence: missense variant. On other transcripts: non-coding transcript variant (1).
Genome position (GRCh38, 1-based): chr1:103,008,489, C>A on the plus strand (G>T on the coding strand, the complement: COL11A1 is on the minus strand). VCF-style: chr1-103008489-C-A. GRCh37 (hg19) VCF-style: chr1-103474045-C-A.
Other names: c.1540G>T, p.Gly514Cys (NM_001190709.2); c.1693G>T, p.Gly565Cys (NM_080629.3); c.1309G>T, p.Gly437Cys (NM_080630.4); short protein forms G437C, G514C, G553C, G565C.
Identifiers: ClinVar variation 1314779 (VCV001314779.3), dbSNP rs2101869508, ClinGen allele CA341175512.

ClinVar aggregate classification (germline): Uncertain significance (1 of 4 stars; one submission).

Submission:

GeneDx
Classification: Uncertain significance. Last evaluated: 2022-01-24. Review status: criteria provided, single submitter. Criteria: GeneDx Variant Classification Process June 2021. Collection method: clinical testing. Allele origin: germline. Affected: yes.
Comment: Has not been previously published as pathogenic or benign to our knowledge; Not observed in large population cohorts (gnomAD); In silico analysis supports that this missense variant has a deleterious effect on protein structure/function